The following is an entry in ClinVar:

NM_001148.6(ANK2):c.8882C>G (p.Ser2961Cys)

Gene: ANK2 (ankyrin 2; plus strand). Cytogenetic location: 4q26.
Variant type: single nucleotide variant.
Coding change: c.8882C>G on transcript NM_001148.6 (MANE Select); coding-DNA position 8882, C replaced by G.
Protein change: p.Ser2961Cys; replaces serine 2961 with cysteine.
Molecular consequence: missense variant. On other transcripts: intron variant (68).
Genome position (GRCh38, 1-based): chr4:113,357,500, C>G. VCF-style: chr4-113357500-C-G. GRCh37 (hg19) VCF-style: chr4-114278656-C-G.
Other names: c.8648C>G, p.Ser2883Cys (NM_001386142.1); c.5282C>G, p.Ser1761Cys (NM_001386166.1); c.9023C>G, p.Ser3008Cys (NM_001386174.1); c.8999C>G, p.Ser3000Cys (NM_001386175.1); c.4412-3323C>G (NM_001386186.2, NM_001386148.2); c.4214-3323C>G (NM_001354269.3); c.4292-3323C>G (NM_001386187.2); c.4253-3323C>G (NM_001386147.1); and 35 more; short protein forms S1761C, S2883C, S2961C, S3000C, S3008C.
Identifiers: ClinVar variation 3221021 (VCV003221021.1), dbSNP rs2095869100, ClinGen allele CA357935748.
Genomic context (GRCh38, chr4:113,357,500, plus strand): 5'-AAAGCAAAACCCAAACAGATGCAAATCACACCACAAGTTTTCACTCTTCTGAAGTGTATT[C>G]TGTTACCATCACATCCCCTGTTGAAGACGTTGTAGTGGCAAGCTCCTCTAGTGGAACTGT-3'
Protein context (NP_001139.3, residues 2951-2971): TTSFHSSEVY[Ser2961Cys]VTITSPVEDV

ClinVar aggregate classification (germline): Uncertain significance (1 of 4 stars; one submission).

Conditions:
Cardiovascular phenotype. Identifiers: MedGen CN230736.

Submission:

Ambry Genetics
Classification: Uncertain significance for Cardiovascular phenotype. Last evaluated: 2024-01-01. Review status: criteria provided, single submitter. Criteria: Ambry Variant Classification Scheme 2023. Collection method: clinical testing. Allele origin: germline.
Comment: The p.S2961C variant (also known as c.8882C>G), located in coding exon 38 of the ANK2 gene, results from a C to G substitution at nucleotide position 8882. The serine at codon 2961 is replaced by cysteine, an amino acid with dissimilar properties. This amino acid position is conserved. In addition, this alteration is predicted to be tolerated by in silico analysis. Since supporting evidence is limited at this time, the clinical significance of this alteration remains unclear.